The following is an entry in ClinVar:

NM_001080449.3(DNA2):c.2402+1G>A

Gene: DNA2 (DNA replication helicase/nuclease 2; minus strand). Cytogenetic location: 10q21.3.
Variant type: single nucleotide variant.
Coding change: c.2402+1G>A on transcript NM_001080449.3 (MANE Select); the canonical splice donor site of the intron after coding-DNA position 2402, G replaced by A.
Molecular consequence: splice donor variant.
Genome position (GRCh38, 1-based): chr10:68,422,696, C>T on the plus strand (G>A on the coding strand, the complement: DNA2 is on the minus strand). VCF-style: chr10-68422696-C-T. GRCh37 (hg19) VCF-style: chr10-70182453-C-T.
Identifiers: ClinVar variation 2081640 (VCV002081640.5), dbSNP rs763813516, ClinGen allele CA5524831.

ClinVar aggregate classification (germline): Uncertain significance. Review status: criteria provided, multiple submitters, no conflicts (2 of 4 stars). 2 submissions from 2 submitters: Uncertain significance (2). Last evaluated 2025-02-27.

Conditions:
Inborn genetic diseases. Identifiers: MedGen C0950123, MeSH D030342.

Allele frequency attached by ClinVar (database versions not stated): ExAC 0.00001.
gnomAD v4.1: 5 of 1,613,412 alleles (0.00031%); highest among the groups gnomAD compares: Admixed American, 0.0083%; no homozygotes.

Submissions (2):

Labcorp Genetics (formerly Invitae), Labcorp
Classification: Uncertain significance. Last evaluated: 2025-02-27. Review status: criteria provided, single submitter. Criteria: Invitae Variant Classification Sherloc (09022015). Collection method: clinical testing. Allele origin: germline.
Comment: This sequence change affects a donor splice site in intron 15 of the DNA2 gene. It is expected to disrupt RNA splicing. Variants that disrupt the donor or acceptor splice site typically lead to a loss of protein function (PMID: 16199547), however the current clinical and genetic evidence is not sufficient to establish whether loss-of-function variants in DNA2 cause disease. This variant is present in population databases (rs763813516, gnomAD 0.01%). This variant has not been reported in the literature in individuals affected with DNA2-related conditions. ClinVar contains an entry for this variant (Variation ID: 2081640). Algorithms developed to predict the effect of sequence changes on RNA splicing suggest that this variant may disrupt the consensus splice site. In summary, the available evidence is currently insufficient to determine the role of this variant in disease. Therefore, it has been classified as a Variant of Uncertain Significance.

Ambry Genetics
Classification: Uncertain significance for Inborn genetic diseases. Last evaluated: 2021-12-08. Review status: criteria provided, single submitter. Criteria: Ambry Variant Classification Scheme 2023. Collection method: clinical testing. Allele origin: germline.
Comment: This region of the DNA2 gene is excluded from other transcripts of uncertain clinical relevance. Based on insufficient or conflicting evidence, the clinical significance of this alteration remains unclear.

Literature cited by the submitters: PubMed 16199547 (cited by Labcorp Genetics (formerly Invitae), Labcorp).